The following is an entry in ClinVar:

NM_005751.5(AKAP9):c.9922C>T (p.Arg3308Ter)

Gene: AKAP9 (A-kinase anchoring protein 9; plus strand). Cytogenetic location: 7q21.2.
Variant type: single nucleotide variant.
Coding change: c.9922C>T on transcript NM_005751.5 (MANE Select); coding-DNA position 9922, C replaced by T.
Protein change: p.Arg3308Ter; replaces arginine 3308 with a stop codon.
Molecular consequence: nonsense.
Genome position (GRCh38, 1-based): chr7:92,096,881, C>T. VCF-style: chr7-92096881-C-T. GRCh37 (hg19) VCF-style: chr7-91726195-C-T.
Other names: c.4567C>T, p.Arg1523Ter (NM_001379277.1); c.9898C>T, p.Arg3300Ter (NM_147185.3); short protein forms R1523*, R3300*, R3308*.
Identifiers: ClinVar variation 4753010 (VCV004753010.1).

ClinVar aggregate classification (germline): Uncertain significance (1 of 4 stars; one submission).

Conditions:
Long QT syndrome (LQTS). Identifiers: MedGen C0023976, MeSH D008133, MONDO:0002442. Disease mechanism: loss of function. Inheritance: Various modes of inheritance.

gnomAD v4.1: 2 of 1,614,078 alleles (0.00012%); highest among the groups gnomAD compares: East Asian, 0.0022%; no homozygotes.

Submission:

Labcorp Genetics (formerly Invitae), Labcorp
Classification: Uncertain significance for Long QT syndrome. Last evaluated: 2025-05-25. Review status: criteria provided, single submitter. Criteria: Invitae Variant Classification Sherloc (09022015). Collection method: clinical testing. Allele origin: germline.
Comment: This sequence change creates a premature translational stop signal (p.Arg3308*) in the AKAP9 gene. It is expected to result in an absent or disrupted protein product. However, the current clinical and genetic evidence is not sufficient to establish whether loss-of-function variants in AKAP9 cause disease. This variant is present in population databases (rs771217988, gnomAD 0.006%). This variant has not been reported in the literature in individuals affected with AKAP9-related conditions. Algorithms developed to predict the effect of sequence changes on RNA splicing suggest that this variant may create or strengthen a splice site. In summary, the available evidence is currently insufficient to determine the role of this variant in disease. Therefore, it has been classified as a Variant of Uncertain Significance.